The following is an entry in ClinVar:

ClinVar aggregate classification (germline): Likely benign (0 of 4 stars; one submission).

Conditions:
SLC11A1-related disorder. Also called: SLC11A1-related condition.

Allele frequency attached by ClinVar (database versions not stated): gnomAD exomes 0.00001; ExAC 0.00002; gnomAD 0.00003; TOPMed 0.00003.

Submission:

PreventionGenetics, part of Exact Sciences
Classification: Likely benign for SLC11A1-related condition. Last evaluated: 2019-08-09. Review status: no assertion criteria provided. Collection method: clinical testing. Allele origin: germline.
Comment: This variant is classified as likely benign based on ACMG/AMP sequence variant interpretation guidelines (Richards et al. 2015 PMID: 25741868, with internal and published modifications).

NM_000578.4(SLC11A1):c.796-4G>A

Gene: SLC11A1 (solute carrier family 11 member 1; plus strand). Cytogenetic location: 2q35.
Variant type: single nucleotide variant.
Coding change: c.796-4G>A on transcript NM_000578.4 (MANE Select); 4 bases into the intron before coding-DNA position 796, G replaced by A.
Molecular consequence: intron variant.
Genome position (GRCh38, 1-based): chr2:218,389,866, G>A. VCF-style: chr2-218389866-G-A. GRCh37 (hg19) VCF-style: chr2-219254589-G-A.
Identifiers: ClinVar variation 3035428 (VCV003035428.2), dbSNP rs767192438, ClinGen allele CA2105079.
Genomic context (GRCh38, chr2:218,389,866, plus strand): 5'-GGTGGGGGACACTGTGGTGGCTCTGAGGGACTTTGGCACTTCCCTCTCCCTTTGATCTTC[G>A]TAGTCTCGAGAGATAGACCGGGCCCGCCGAGCAGACATCAGAGAAGCCAACATGTACTTC-3'